The following is an entry in ClinVar:

NM_001365999.1(SZT2):c.6661G>A (p.Val2221Met)

Gene: SZT2 (SZT2 subunit of KICSTOR complex; plus strand). Cytogenetic location: 1p34.2.
Variant type: single nucleotide variant.
Coding change: c.6661G>A on transcript NM_001365999.1 (MANE Select); coding-DNA position 6661, G replaced by A.
Protein change: p.Val2221Met; replaces valine 2221 with methionine.
Molecular consequence: missense variant.
Genome position (GRCh38, 1-based): chr1:43,438,962, G>A. VCF-style: chr1-43438962-G-A. GRCh37 (hg19) VCF-style: chr1-43904633-G-A.
Other names: c.6490G>A (NM_015284.3); c.6490G>A, p.Val2164Met (NM_015284.4); short protein forms V2164M, V2221M.
Identifiers: ClinVar variation 1010111 (VCV001010111.6), dbSNP rs370788218, ClinGen allele CA809981.

ClinVar aggregate classification (germline): Uncertain significance. Review status: criteria provided, multiple submitters, no conflicts (2 of 4 stars). 3 submissions from 3 submitters: Uncertain significance (3). Last evaluated 2025-03-23.

Conditions:
Inborn genetic diseases. Identifiers: MedGen C0950123, MeSH D030342.

Allele frequency attached by ClinVar (database versions not stated): ExAC 0.00004; gnomAD 0.00007; TOPMed 0.00013; ESP Exome Variant Server 0.00015; gnomAD exomes 0.00001 and 0.00002.
gnomAD v4.1: 31 of 1,614,034 alleles (0.0019%); highest among the groups gnomAD compares: African/African-American, 0.033%; 1 homozygote.

Submissions (3):

GeneDx
Classification: Uncertain significance. Last evaluated: 2025-03-23. Review status: criteria provided, single submitter. Criteria: GeneDx Variant Classification Process June 2021. Collection method: clinical testing. Allele origin: germline. Affected: yes.
Comment: In silico analysis indicates that this missense variant does not alter protein structure/function; Has not been previously published as pathogenic or benign to our knowledge

Ambry Genetics
Classification: Uncertain significance for Inborn genetic diseases. Last evaluated: 2024-11-12. Review status: criteria provided, single submitter. Criteria: Ambry Variant Classification Scheme 2023. Collection method: clinical testing. Allele origin: germline.

Labcorp Genetics (formerly Invitae), Labcorp
Classification: Uncertain significance. Last evaluated: 2022-08-15. Review status: criteria provided, single submitter. Criteria: Invitae Variant Classification Sherloc (09022015). Collection method: clinical testing. Allele origin: germline.
Comment: This sequence change replaces valine, which is neutral and non-polar, with methionine, which is neutral and non-polar, at codon 2164 of the SZT2 protein (p.Val2164Met). This variant is present in population databases (rs370788218, gnomAD 0.03%). This variant has not been reported in the literature in individuals affected with SZT2-related conditions. ClinVar contains an entry for this variant (Variation ID: 1010111). Algorithms developed to predict the effect of missense changes on protein structure and function are either unavailable or do not agree on the potential impact of this missense change (SIFT: "Tolerated"; PolyPhen-2: "Probably Damaging"; Align-GVGD: "Class C0"). In summary, the available evidence is currently insufficient to determine the role of this variant in disease. Therefore, it has been classified as a Variant of Uncertain Significance.